The following is an entry in ClinVar:

ClinVar aggregate classification (germline): Uncertain significance (1 of 4 stars; one submission).

Conditions:
3-Methylglutaconic aciduria type 2 (BTHS). Also called: CARDIOSKELETAL MYOPATHY WITH NEUTROPENIA AND ABNORMAL MITOCHONDRIA; Barth syndrome. Identifiers: Orphanet 111, MedGen C0574083, MONDO:0010543, OMIM 302060.

Submission:

Labcorp Genetics (formerly Invitae), Labcorp
Classification: Uncertain significance for 3-Methylglutaconic aciduria type 2. Last evaluated: 2024-11-11. Review status: criteria provided, single submitter. Criteria: Invitae Variant Classification Sherloc (09022015). Collection method: clinical testing. Allele origin: germline.
Comment: This sequence change replaces threonine with methionine at codon 61 of the TAZ protein (p.Thr61Met). The threonine residue is moderately conserved and there is a moderate physicochemical difference between threonine and methionine. This variant is not present in population databases (gnomAD no frequency). This variant has not been reported in the literature in individuals affected with TAZ-related conditions. ClinVar contains an entry for this variant (Variation ID: 1967792). An algorithm developed to predict the effect of missense changes on protein structure and function (PolyPhen-2) suggests that this variant is likely to be disruptive. In summary, the available evidence is currently insufficient to determine the role of this variant in disease. Therefore, it has been classified as a Variant of Uncertain Significance.

NM_000116.5(TAFAZZIN):c.182C>T (p.Thr61Met)

Gene: TAFAZZIN (tafazzin, phospholipid-lysophospholipid transacylase; plus strand). Cytogenetic location: Xq28.
Variant type: single nucleotide variant.
Coding change: c.182C>T on transcript NM_000116.5 (MANE Select); coding-DNA position 182, C replaced by T.
Protein change: p.Thr61Met; replaces threonine 61 with methionine.
Molecular consequence: missense variant. On other transcripts: non-coding transcript variant (1).
Genome position (GRCh38, 1-based): chrX:154,412,158, C>T. VCF-style: chrX-154412158-C-T. GRCh37 (hg19) VCF-style: chrX-153640495-C-T.
Other names: c.236C>T, p.Thr79Met (NM_001303465.2, NM_001410698.1); c.182C>T, p.Thr61Met (NM_181311.4, NM_181312.4, NM_181313.4); short protein forms T61M, T79M.
Identifiers: ClinVar variation 1967792 (VCV001967792.5), dbSNP rs2522924558, ClinGen allele CA415179815.